The following is an entry in ClinVar:

ClinVar aggregate classification (germline): Uncertain significance (1 of 4 stars; one submission).

Conditions:
Polycystic kidney disease 2 (PKD2). Also called: POLYCYSTIC KIDNEY DISEASE, ADULT, TYPE II; Polycystic Kidney Disease 2, Autosomal Dominant; POLYCYSTIC KIDNEY DISEASE 2 WITH OR WITHOUT POLYCYSTIC LIVER DISEASE. Identifiers: MedGen C2751306, MONDO:0013131, OMIM 613095.

Submission:

Victorian Clinical Genetics Services, Murdoch Childrens Research Institute
Classification: Uncertain significance for Polycystic kidney disease 2. Last evaluated: 2024-10-10. Review status: criteria provided, single submitter. Criteria: ACMG Guidelines, 2015. Collection method: clinical testing. Allele origin: germline. Inheritance: Autosomal dominant inheritance. Affected: yes.
Comment: Based on the classification scheme VCGS_Germline_v1.3.5, this variant is classified as VUS-3A. Following criteria are met: 0102 - Loss of function is a known mechanism of disease in this gene and is associated with polycystic kidney disease 2 (MIM#613095). (I) 0107 - This gene is associated with autosomal dominant disease. (I) 0212 - Non-canonical splice site variant without proven consequence on splicing (no functional evidence available). (SP) 0251 - This variant is heterozygous. (I) 0301 - Variant is absent from gnomAD (v2, v3 and v4). (SP) 0505 - Abnormal splicing is predicted by in silico tools and affected nucleotide is highly conserved. (SP) 0708 - Other non-canonical splice variants comparable to the one identified in this case have conflicting previous evidence for pathogenicity. c.2670+5G>C and c.2670+5G>A have each been observed once in individuals with ADPKD. c.2670+5G>C was classified as highly likely pathogenic and c.2670+5G>A was reported as a VUS (PMIDs: 22508176, 37372416). (SP) 0807 - This variant has no previous evidence of pathogenicity. (I) 0905 - No published segregation evidence has been identified for this variant. (I) 1007 - No published functional evidence has been identified for this variant. (I) 1208 - Inheritance information for this variant is not currently available in this individual. (I) Legend: (SP) - Supporting pathogenic, (I) - Information, (SB) - Supporting benign

Literature cited by the submitters: PubMed 22508176; PubMed 37372416.

NM_000297.4(PKD2):c.2670+5G>T

Gene: PKD2 (polycystin 2, transient receptor potential cation channel; plus strand). Cytogenetic location: 4q22.1.
Variant type: single nucleotide variant.
Coding change: c.2670+5G>T on transcript NM_000297.4 (MANE Select); 5 bases into the intron after coding-DNA position 2670, G replaced by T.
Molecular consequence: intron variant.
Genome position (GRCh38, 1-based): chr4:88,074,964, G>T. VCF-style: chr4-88074964-G-T. GRCh37 (hg19) VCF-style: chr4-88996116-G-T.
Identifiers: ClinVar variation 3377093 (VCV003377093.1).